The following is an entry in ClinVar:

ClinVar aggregate classification (germline): Uncertain significance. Review status: criteria provided, multiple submitters, no conflicts (2 of 4 stars). 2 submissions from 2 submitters: Uncertain significance (2). Last evaluated 2021-12-16.

Conditions:
Cardiovascular phenotype. Identifiers: MedGen CN230736.
Alstrom syndrome (ALMS). Identifiers: Orphanet 64, MedGen C0268425, MONDO:0008763, OMIM 203800.

Submissions (2):

Ambry Genetics
Classification: Uncertain significance for Cardiovascular phenotype. Last evaluated: 2021-12-16. Review status: criteria provided, single submitter. Criteria: Ambry Variant Classification Scheme 2023. Collection method: clinical testing. Allele origin: germline.
Comment: The p.Y1287S variant (also known as c.3860A>C), located in coding exon 8 of the ALMS1 gene, results from an A to C substitution at nucleotide position 3860. The tyrosine at codon 1287 is replaced by serine, an amino acid with dissimilar properties. This amino acid position is well conserved in available vertebrate species. In addition, this alteration is predicted to be tolerated by in silico analysis. Since supporting evidence is limited at this time, the clinical significance of this alteration remains unclear.

Labcorp Genetics (formerly Invitae), Labcorp
Classification: Uncertain significance for Alstrom syndrome. Last evaluated: 2021-10-15. Review status: criteria provided, single submitter. Criteria: Invitae Variant Classification Sherloc (09022015). Collection method: clinical testing. Allele origin: germline.
Comment: This sequence change replaces tyrosine with serine at codon 1287 of the ALMS1 protein (p.Tyr1287Ser). The tyrosine residue is weakly conserved and there is a large physicochemical difference between tyrosine and serine. This variant is not present in population databases (ExAC no frequency). This variant has not been reported in the literature in individuals affected with ALMS1-related conditions. Experimental studies and prediction algorithms are not available or were not evaluated, and the functional significance of this variant is currently unknown. In summary, the available evidence is currently insufficient to determine the role of this variant in disease. Therefore, it has been classified as a Variant of Uncertain Significance.

NM_001378454.1(ALMS1):c.3857A>C (p.Tyr1286Ser)

Gene: ALMS1 (ALMS1 centrosome and basal body associated protein; plus strand). Cytogenetic location: 2p13.1.
Variant type: single nucleotide variant.
Coding change: c.3857A>C on transcript NM_001378454.1 (MANE Select); coding-DNA position 3857, A replaced by C.
Protein change: p.Tyr1286Ser; replaces tyrosine 1286 with serine.
Molecular consequence: missense variant.
Genome position (GRCh38, 1-based): chr2:73,450,384, A>C. VCF-style: chr2-73450384-A-C. GRCh37 (hg19) VCF-style: chr2-73677511-A-C.
Other names: c.3860A>C, p.Tyr1287Ser (NM_015120.4); short protein forms Y1287S, Y1286S.
Identifiers: ClinVar variation 1482236 (VCV001482236.8), dbSNP rs2103780445, ClinGen allele CA347276937.
Genomic context (GRCh38, chr2:73,450,384, plus strand): 5'-CAGTTGCCTCTGAACCAGTTGACCAGACAACTGGCACACCAGCTGTAACCTCTACTTCCT[A>C]CTCACAATATAGAGAGAAGCCCAGCATTTTCTACCAACAGTCGTTGCCAAGTAGTCATCT-3'
Protein context (NP_001365383.1, residues 1276-1296): TGTPAVTSTS[Tyr1286Ser]SQYREKPSIF